The following is an entry in ClinVar:

NM_001387430.1(SH2B1):c.1066A>G (p.Met356Val)

Gene: SH2B1 (SH2B adaptor protein 1; plus strand). Cytogenetic location: 16p11.2.
Variant type: single nucleotide variant.
Coding change: c.1066A>G on transcript NM_001387430.1 (MANE Select); coding-DNA position 1066, A replaced by G.
Protein change: p.Met356Val; replaces methionine 356 with valine.
Molecular consequence: missense variant.
Genome position (GRCh38, 1-based): chr16:28,869,030, A>G. VCF-style: chr16-28869030-A-G. GRCh37 (hg19) VCF-style: chr16-28880351-A-G.
Other names: c.1066A>G, p.Met356Val (NM_001145795.2, NM_001145796.2, NM_001145797.2 and 4 more transcripts); c.58A>G, p.Met20Val (NM_001308294.2); short protein forms M20V, M356V.
Identifiers: ClinVar variation 3357380 (VCV003357380.2).

ClinVar aggregate classification (germline): Uncertain significance. Review status: criteria provided, single submitter (1 of 4 stars). 2 submissions from 2 submitters: Uncertain significance (1). 1 of the submissions does not count toward it. Last evaluated 2025-03-24.

Conditions:
SH2B1-related disorder. Also called: SH2B1-related condition.

gnomAD v4.1: 31 of 1,613,978 alleles (0.0019%); highest among the groups gnomAD compares: Non-Finnish European, 0.0023%; no homozygotes.

Submissions (2):

Ambry Genetics
Classification: Uncertain significance. Last evaluated: 2025-03-24. Review status: criteria provided, single submitter. Criteria: Ambry Variant Classification Scheme 2023. Collection method: clinical testing. Allele origin: germline.

PreventionGenetics, part of Exact Sciences
Classification: Uncertain significance for SH2B1-related condition. Last evaluated: 2024-08-12. Review status: no assertion criteria provided. Collection method: clinical testing. Allele origin: germline. Not counted in ClinVar's aggregate classification.
Comment: The SH2B1 c.1066A>G variant is predicted to result in the amino acid substitution p.Met356Val. To our knowledge, this variant has not been reported in the literature. This variant is reported in 0.0018% of alleles in individuals of European (Non-Finnish) descent in gnomAD. At this time, the clinical significance of this variant is uncertain due to the absence of conclusive functional and genetic evidence.